The following is an entry in ClinVar:

NM_033026.6(PCLO):c.389C>T (p.Pro130Leu)

Gene: PCLO (piccolo presynaptic cytomatrix protein; minus strand). Cytogenetic location: 7q21.11.
Variant type: single nucleotide variant.
Coding change: c.389C>T on transcript NM_033026.6 (MANE Select); coding-DNA position 389, C replaced by T.
Protein change: p.Pro130Leu; replaces proline 130 with leucine.
Molecular consequence: missense variant.
Genome position (GRCh38, 1-based): chr7:83,156,252, G>A on the plus strand (C>T on the coding strand, the complement: PCLO is on the minus strand). VCF-style: chr7-83156252-G-A. GRCh37 (hg19) VCF-style: chr7-82785568-G-A.
Other names: c.389C>T, p.Pro130Leu (NM_014510.3); short protein forms P130L.
Identifiers: ClinVar variation 1445835 (VCV001445835.5), dbSNP rs761572001, ClinGen allele CA4321667.

ClinVar aggregate classification (germline): Uncertain significance (1 of 4 stars; one submission).

Allele frequency attached by ClinVar (database versions not stated): gnomAD exomes 0.00001; TOPMed below 0.00001; ExAC 0.00001.
gnomAD v4.1: 9 of 1,613,696 alleles (0.00056%); highest among the groups gnomAD compares: Non-Finnish European, 0.00076%; no homozygotes.

Submission:

Labcorp Genetics (formerly Invitae), Labcorp
Classification: Uncertain significance. Last evaluated: 2024-12-02. Review status: criteria provided, single submitter. Criteria: Invitae Variant Classification Sherloc (09022015). Collection method: clinical testing. Allele origin: germline.
Comment: This sequence change replaces proline, which is neutral and non-polar, with leucine, which is neutral and non-polar, at codon 130 of the PCLO protein (p.Pro130Leu). This variant is present in population databases (rs761572001, gnomAD 0.002%). This variant has not been reported in the literature in individuals affected with PCLO-related conditions. ClinVar contains an entry for this variant (Variation ID: 1445835). Experimental studies and prediction algorithms are not available or were not evaluated, and the functional significance of this variant is currently unknown. In summary, the available evidence is currently insufficient to determine the role of this variant in disease. Therefore, it has been classified as a Variant of Uncertain Significance.